The following is an entry in ClinVar:

ClinVar aggregate classification (germline): Uncertain significance (1 of 4 stars; one submission).

Conditions:
Inborn genetic diseases. Identifiers: MedGen C0950123, MeSH D030342.

Submission:

Ambry Genetics
Classification: Uncertain significance for Inborn genetic diseases. Last evaluated: 2022-12-17. Review status: criteria provided, single submitter. Criteria: Ambry Variant Classification Scheme 2023. Collection method: clinical testing. Allele origin: germline.
Comment: The p.A183S variant (also known as c.547G>T), located in coding exon 5 of the LRRK2 gene, results from a G to T substitution at nucleotide position 547. The alanine at codon 183 is replaced by serine, an amino acid with similar properties. This amino acid position is conserved. In addition, this alteration is predicted to be tolerated by in silico analysis. Since supporting evidence is limited at this time, the clinical significance of this alteration remains unclear.

NM_198578.4(LRRK2):c.547G>T (p.Ala183Ser)

Gene: LRRK2 (leucine rich repeat kinase 2; plus strand). Cytogenetic location: 12q12.
Variant type: single nucleotide variant.
Coding change: c.547G>T on transcript NM_198578.4 (MANE Select); coding-DNA position 547, G replaced by T.
Protein change: p.Ala183Ser; replaces alanine 183 with serine.
Molecular consequence: missense variant.
Genome position (GRCh38, 1-based): chr12:40,238,079, G>T. VCF-style: chr12-40238079-G-T. GRCh37 (hg19) VCF-style: chr12-40631881-G-T.
Other names: short protein forms A183S.
Identifiers: ClinVar variation 2453054 (VCV002453054.2), dbSNP rs2499420329, ClinGen allele CA384404226.